The following is an entry in ClinVar:

ClinVar aggregate classification (germline): Uncertain significance (1 of 4 stars; one submission).

Conditions:
Dilated cardiomyopathy 1W (CMD1W). Identifiers: Orphanet 154, MedGen C1969639, MONDO:0012667, OMIM 611407.

Submission:

Labcorp Genetics (formerly Invitae), Labcorp
Classification: Uncertain significance for Dilated cardiomyopathy 1W. Last evaluated: 2025-04-12. Review status: criteria provided, single submitter. Criteria: Invitae Variant Classification Sherloc (09022015). Collection method: clinical testing. Allele origin: germline.
Comment: This sequence change replaces proline, which is neutral and non-polar, with leucine, which is neutral and non-polar, at codon 673 of the VCL protein (p.Pro673Leu). This variant is not present in population databases (gnomAD no frequency). This variant has not been reported in the literature in individuals affected with VCL-related conditions. An algorithm developed to predict the effect of missense changes on protein structure and function (PolyPhen-2) suggests that this variant is likely to be disruptive. In summary, the available evidence is currently insufficient to determine the role of this variant in disease. Therefore, it has been classified as a Variant of Uncertain Significance.

NM_014000.3(VCL):c.2018C>T (p.Pro673Leu)

Gene: VCL (vinculin; plus strand). Cytogenetic location: 10q22.2.
Variant type: single nucleotide variant.
Coding change: c.2018C>T on transcript NM_014000.3 (MANE Select); coding-DNA position 2018, C replaced by T.
Protein change: p.Pro673Leu; replaces proline 673 with leucine.
Molecular consequence: missense variant.
Genome position (GRCh38, 1-based): chr10:74,101,093, C>T. VCF-style: chr10-74101093-C-T. GRCh37 (hg19) VCF-style: chr10-75860851-C-T.
Other names: c.2018C>T, p.Pro673Leu (NM_003373.4); short protein forms P673L.
Identifiers: ClinVar variation 4717333 (VCV004717333.1).
Genomic context (GRCh38, chr10:74,101,093, plus strand): 5'-CTAATAAATCAACAGTGGAAGGCATTCAGGCCTCAGTGAAGACGGCCCGAGAACTCACAC[C>T]CCAGGTTGGGTTTTGCTCATTCCTCATACAGTGTTCAGTAAAGAAAGTTAATTACAGAAC-3'
Protein context (NP_054706.1, residues 663-683): ASVKTARELT[Pro673Leu]QVVSAARILL